The following is an entry in ClinVar:

ClinVar aggregate classification (germline): Uncertain significance (1 of 4 stars; one submission).

Submission:

Ambry Genetics
Classification: Uncertain significance. Last evaluated: 2023-12-30. Review status: criteria provided, single submitter. Criteria: Ambry Variant Classification Scheme 2023. Collection method: clinical testing. Allele origin: germline.
Comment: The p.V791E variant (also known as c.2372T>A), located in coding exon 15 of the MYOM1 gene, results from a T to A substitution at nucleotide position 2372. The valine at codon 791 is replaced by glutamic acid, an amino acid with dissimilar properties. This amino acid position is conserved. In addition, this alteration is predicted to be deleterious by in silico analysis. Since supporting evidence is limited at this time, the clinical significance of this alteration remains unclear.

NM_003803.4(MYOM1):c.2372T>A (p.Val791Glu)

Gene: MYOM1 (myomesin 1; minus strand). Cytogenetic location: 18p11.31.
Variant type: single nucleotide variant.
Coding change: c.2372T>A on transcript NM_003803.4 (MANE Select); coding-DNA position 2372, T replaced by A.
Protein change: p.Val791Glu; replaces valine 791 with glutamic acid.
Molecular consequence: missense variant.
Genome position (GRCh38, 1-based): chr18:3,134,662, A>T on the plus strand (T>A on the coding strand, the complement: MYOM1 is on the minus strand). VCF-style: chr18-3134662-A-T. GRCh37 (hg19) VCF-style: chr18-3134660-A-T.
Other names: c.2372T>A, p.Val791Glu (NM_019856.2); short protein forms V791E.
Identifiers: ClinVar variation 3223554 (VCV003223554.1), dbSNP rs2510634003, ClinGen allele CA401712390.